The following is an entry in ClinVar:

ClinVar aggregate classification (germline): Uncertain significance. Review status: criteria provided, multiple submitters, no conflicts (2 of 4 stars). 2 submissions from 2 submitters: Uncertain significance (2). Last evaluated 2026-09-07.

Conditions:
Cardiovascular phenotype. Identifiers: MedGen CN230736.

Submissions (2):

Ambry Genetics
Classification: Uncertain significance for Cardiovascular phenotype. Last evaluated: 2026-09-07. Review status: criteria provided, single submitter. Criteria: Ambry Variant Classification Scheme 2023. Collection method: clinical testing. Allele origin: germline.
Comment: The p.Y1362C variant (also known as c.4085A>G), located in coding exon 33 of the CACNA1C gene, results from an A to G substitution at nucleotide position 4085. The tyrosine at codon 1362 is replaced by cysteine, an amino acid with highly dissimilar properties. This amino acid position is conserved. In addition, this alteration is predicted to be deleterious by in silico analysis. Based on the available evidence, the clinical significance of this variant remains unclear.

CeGaT Center for Human Genetics Tuebingen
Classification: Uncertain significance. Last evaluated: 2024-05-01. Review status: criteria provided, single submitter. Criteria: CeGaT Center For Human Genetics Tuebingen Variant Classification Criteria Version 2. Collection method: clinical testing. Allele origin: germline. Affected: yes. Observed: 1 variant allele.
Comment: CACNA1C: PM2, PP2, PP3

NM_000719.7(CACNA1C):c.4085A>G (p.Tyr1362Cys)

Gene: CACNA1C (calcium voltage-gated channel subunit alpha1 C; plus strand). Cytogenetic location: 12p13.33.
Variant type: single nucleotide variant.
Coding change: c.4085A>G on transcript NM_000719.7 (MANE Select); coding-DNA position 4085, A replaced by G.
Protein change: p.Tyr1362Cys; replaces tyrosine 1362 with cysteine.
Molecular consequence: missense variant.
Genome position (GRCh38, 1-based): chr12:2,653,845, A>G. VCF-style: chr12-2653845-A-G. GRCh37 (hg19) VCF-style: chr12-2763011-A-G.
Other names: c.4229A>G, p.Tyr1410Cys (NM_001129827.2, NM_199460.4); c.4151A>G, p.Tyr1384Cys (NM_001129829.2); c.4085A>G, p.Tyr1362Cys (NM_001129830.3, NM_001129833.2, NM_001129834.2 and 7 more transcripts); c.4169A>G, p.Tyr1390Cys (NM_001129831.2); c.4145A>G, p.Tyr1382Cys (NM_001129832.2); c.4136A>G, p.Tyr1379Cys (NM_001129836.2); c.4052A>G, p.Tyr1351Cys (NM_001129837.2, NM_001129838.2, NM_001129846.2 and 1 more transcripts); c.4046A>G, p.Tyr1349Cys (NM_001129839.2); and 1 more; short protein forms Y1349C, Y1351C, Y1359C, Y1362C, Y1379C, Y1382C, Y1384C, Y1390C.
Identifiers: ClinVar variation 3239542 (VCV003239542.20), dbSNP rs2528049828.